The following is an entry in ClinVar:

NM_001122955.4(BSCL2):c.1005+4G>A

Genes: BSCL2 (BSCL2 lipid droplet biogenesis associated, seipin; minus strand), HNRNPUL2-BSCL2 (HNRNPUL2-BSCL2 readthrough (NMD candidate); minus strand). Cytogenetic location: 11q12.3.
Variant type: single nucleotide variant.
Coding change: c.1005+4G>A on transcript NM_001122955.4 (MANE Select); 4 bases into the intron after coding-DNA position 1005, G replaced by A.
Molecular consequence: intron variant.
Genome position (GRCh38, 1-based): chr11:62,691,276, C>T on the plus strand (G>A on the coding strand, the complement: BSCL2 is on the minus strand). VCF-style: chr11-62691276-C-T. GRCh37 (hg19) VCF-style: chr11-62458748-C-T.
Other names: c.672-135G>A (NM_001130702.2); c.813+4G>A (NM_032667.6); c.1005+4G>A (NM_001386028.1, NM_001386027.1).
Identifiers: ClinVar variation 198603 (VCV000198603.6), dbSNP rs367731146, ClinGen allele CA247353.

ClinVar aggregate classification (germline): Uncertain significance. Review status: criteria provided, multiple submitters, no conflicts (2 of 4 stars). 2 submissions from 2 submitters: Uncertain significance (2). Last evaluated 2025-04-13.

Conditions:
Charcot-Marie-Tooth disease type 2. Also called: Charcot-Marie-Tooth type 2. Identifiers: Orphanet 64746, MedGen C0270914, MONDO:0018993.

Allele frequency attached by ClinVar (database versions not stated): TOPMed 0.00002.
gnomAD v4.1: 11 of 1,614,018 alleles (0.00068%); highest among the groups gnomAD compares: Middle Eastern, 0.033%; no homozygotes.

Submissions (2):

Labcorp Genetics (formerly Invitae), Labcorp
Classification: Uncertain significance for Charcot-Marie-Tooth disease type 2. Last evaluated: 2025-04-13. Review status: criteria provided, single submitter. Criteria: Invitae Variant Classification Sherloc (09022015). Collection method: clinical testing. Allele origin: germline.
Comment: This sequence change falls in intron 7 of the BSCL2 gene. It does not directly change the encoded amino acid sequence of the BSCL2 protein. It affects a nucleotide within the consensus splice site. This variant is present in population databases (rs367731146, gnomAD 0.004%). This variant has not been reported in the literature in individuals affected with BSCL2-related conditions. ClinVar contains an entry for this variant (Variation ID: 198603). Variants that disrupt the consensus splice site are a relatively common cause of aberrant splicing (PMID: 17576681, 9536098). Algorithms developed to predict the effect of sequence changes on RNA splicing suggest that this variant is not likely to affect RNA splicing. In summary, the available evidence is currently insufficient to determine the role of this variant in disease. Therefore, it has been classified as a Variant of Uncertain Significance.

Eurofins Ntd Llc (ga)
Classification: Uncertain significance. Last evaluated: 2015-01-23. Review status: criteria provided, single submitter. Criteria: EGL Classification Definitions 2015. Collection method: clinical testing. Allele origin: germline. Observed: 1 variant allele, 1 heterozygote.

Literature cited by the submitters: PubMed 17576681 (cited by Labcorp Genetics (formerly Invitae), Labcorp); PubMed 9536098 (cited by Labcorp Genetics (formerly Invitae), Labcorp).